The following is an entry in ClinVar:

NM_001378183.1(PIEZO2):c.8480T>C (p.Ile2827Thr)

Gene: PIEZO2 (piezo type mechanosensitive ion channel component 2; minus strand). Cytogenetic location: 18p11.22.
Variant type: single nucleotide variant.
Coding change: c.8480T>C on transcript NM_001378183.1 (MANE Select); coding-DNA position 8480, T replaced by C.
Protein change: p.Ile2827Thr; replaces isoleucine 2827 with threonine.
Molecular consequence: missense variant.
Genome position (GRCh38, 1-based): chr18:10,671,645, A>G on the plus strand (T>C on the coding strand, the complement: PIEZO2 is on the minus strand). VCF-style: chr18-10671645-A-G. GRCh37 (hg19) VCF-style: chr18-10671642-A-G.
Other names: c.8141T>C, p.Ile2714Thr (NM_022068.4); short protein forms I2714T, I2827T.
Identifiers: ClinVar variation 1309881 (VCV001309881.2), dbSNP rs2143373229, ClinGen allele CA401911860.
Genomic context (GRCh38, chr18:10,671,645, plus strand): 5'-ATTAATTTGGCATAGAGATCTTCTTCTAGCTCCAGTTCTCCTGTCTCTCGAACTAAAAAA[A>G]TATCTGTGCACAACTTCAAAATTCGATCCACATTTGGAAGCTCTTCAAACATGATGGAGT-3'
Protein context (NP_001365112.1, residues 2817-2837): VDRILKLCTD[Ile2827Thr]FLVRETGELE

ClinVar aggregate classification (germline): Uncertain significance (1 of 4 stars; one submission).

Submission:

GeneDx
Classification: Uncertain significance. Last evaluated: 2019-11-04. Review status: criteria provided, single submitter. Criteria: GeneDx Variant Classification Process June 2021. Collection method: clinical testing. Allele origin: germline. Affected: yes.
Comment: Not observed in large population cohorts (Lek et al., 2016); In silico analysis, which includes protein predictors and evolutionary conservation, supports a deleterious effect; Has not been previously published as pathogenic or benign to our knowledge